The following is an entry in ClinVar:

NM_005502.4(ABCA1):c.2694C>T (p.Gly898=)

Gene: ABCA1 (ATP binding cassette subfamily A member 1; minus strand). Cytogenetic location: 9q31.1.
Variant type: single nucleotide variant.
Coding change: c.2694C>T on transcript NM_005502.4 (MANE Select); coding-DNA position 2694, C replaced by T.
Protein change: p.Gly898=; no amino-acid change (glycine 898 retained).
Molecular consequence: synonymous variant.
Genome position (GRCh38, 1-based): chr9:104,822,630, G>A on the plus strand (C>T on the coding strand, the complement: ABCA1 is on the minus strand). VCF-style: chr9-104822630-G-A. GRCh37 (hg19) VCF-style: chr9-107584911-G-A.
Identifiers: ClinVar variation 1484513 (VCV001484513.33), dbSNP rs199596062, ClinGen allele CA5168660.
Genomic context (GRCh38, chr9:104,822,630, plus strand): 5'-GCCATCGACAGCCACCTTCATCCCATCTCGGTAGACTTTTACCAGGTTCTGAATGGACAC[G>A]CCCAGCTTCAAGTGGGTGGGTTCCTCCTCCATGCAGACTGTGACAGGAGAGAAGACAGAA-3'
Protein context (NP_005493.2, residues 888-908): MEEEPTHLKL[Gly898=]VSIQNLVKVY

ClinVar aggregate classification (germline): Likely benign. Review status: criteria provided, multiple submitters, no conflicts (2 of 4 stars). 3 submissions from 3 submitters: Likely benign (3). Last evaluated 2025-10-03.

Allele frequency attached by ClinVar (database versions not stated): gnomAD 0.00001; gnomAD exomes 0.00001 and 0.00002; ExAC 0.00002.
gnomAD v4.1: 11 of 1,613,942 alleles (0.00068%); highest among the groups gnomAD compares: Middle Eastern, 0.016%; no homozygotes.

Submissions (3):

Women's Health and Genetics/Laboratory Corporation of America, LabCorp
Classification: Likely benign. Last evaluated: 2025-10-03. Review status: criteria provided, single submitter. Criteria: LabCorp Variant Classification Summary - May 2015. Collection method: clinical testing. Allele origin: germline.

Labcorp Genetics (formerly Invitae), Labcorp
Classification: Likely benign. Last evaluated: 2025-08-12. Review status: criteria provided, single submitter. Criteria: Invitae Variant Classification Sherloc (09022015). Collection method: clinical testing. Allele origin: germline.

CeGaT Center for Human Genetics Tuebingen
Classification: Likely benign. Last evaluated: 2022-08-01. Review status: criteria provided, single submitter. Criteria: CeGaT Center For Human Genetics Tuebingen Variant Classification Criteria Version 2. Collection method: clinical testing. Allele origin: germline. Affected: yes. Observed: 1 variant allele.
Comment: ABCA1: BP4, BP7